The following is an entry in ClinVar:

NM_000875.5(IGF1R):c.3500G>A (p.Arg1167Gln)

Gene: IGF1R (insulin like growth factor 1 receptor; plus strand). Cytogenetic location: 15q26.3.
Variant type: single nucleotide variant.
Coding change: c.3500G>A on transcript NM_000875.5 (MANE Select); coding-DNA position 3500, G replaced by A.
Protein change: p.Arg1167Gln; replaces arginine 1167 with glutamine.
Molecular consequence: missense variant.
Genome position (GRCh38, 1-based): chr15:98,942,965, G>A. VCF-style: chr15-98942965-G-A. GRCh37 (hg19) VCF-style: chr15-99486194-G-A.
Other names: c.3497G>A, p.Arg1166Gln (NM_001291858.2); short protein forms R1166Q, R1167Q.
Identifiers: ClinVar variation 4083466 (VCV004083466.1).

ClinVar aggregate classification (germline): Uncertain significance (1 of 4 stars; one submission).

gnomAD v4.1: 7 of 1,614,076 alleles (0.00043%); highest among the groups gnomAD compares: African/African-American, 0.0013%; no homozygotes.

Submission:

GeneDx
Classification: Uncertain significance. Last evaluated: 2025-03-13. Review status: criteria provided, single submitter. Criteria: GeneDx Variant Classification Process June 2021. Collection method: clinical testing. Allele origin: germline. Affected: yes.
Comment: Not observed at significant frequency in large population cohorts (gnomAD); In silico analysis supports that this missense variant has a deleterious effect on protein structure/function; Has not been previously published as pathogenic or benign to our knowledge